The following is an entry in ClinVar:

NM_001113378.2(FANCI):c.1972A>C (p.Ile658Leu)

Gene: FANCI (FA complementation group I; plus strand). Cytogenetic location: 15q26.1.
Variant type: single nucleotide variant.
Coding change: c.1972A>C on transcript NM_001113378.2 (MANE Select); coding-DNA position 1972, A replaced by C.
Protein change: p.Ile658Leu; replaces isoleucine 658 with leucine.
Molecular consequence: missense variant.
Genome position (GRCh38, 1-based): chr15:89,291,694, A>C. VCF-style: chr15-89291694-A-C. GRCh37 (hg19) VCF-style: chr15-89834925-A-C.
Other names: c.1693A>C, p.Ile565Leu (NM_001376910.1); c.1972A>C, p.Ile658Leu (NM_001376911.1, NM_018193.3); short protein forms I658L, I565L.
Identifiers: ClinVar variation 1483272 (VCV001483272.6), dbSNP rs745308624, ClinGen allele CA393748797.
Genomic context (GRCh38, chr15:89,291,694, plus strand): 5'-AAACCTGATCTGCTGCCTCCTCTGAAATTAGAAGCTTGTATTCTGACCCAAGGAGATAAG[A>C]TCTCTCTACAAGAACCACTGGTGAGACTTTTATTCTTCCTTCAACCATTATTTTTAGTAT-3'
Protein context (NP_001106849.1, residues 648-668): EACILTQGDK[Ile658Leu]SLQEPLDYLL

ClinVar aggregate classification (germline): Uncertain significance (1 of 4 stars; one submission).

Conditions:
Fanconi anemia (FA). Also called: Fanconi's anemia. Identifiers: Orphanet 84, MedGen C0015625, MeSH D005199, MONDO:0019391.

gnomAD v4.1: 3 of 1,613,616 alleles (0.00019%); highest among the groups gnomAD compares: African/African-American, 0.0013%; no homozygotes.

Submission:

Labcorp Genetics (formerly Invitae), Labcorp
Classification: Uncertain significance for Fanconi anemia. Last evaluated: 2021-08-12. Review status: criteria provided, single submitter. Criteria: Invitae Variant Classification Sherloc (09022015). Collection method: clinical testing. Allele origin: germline.
Comment: Algorithms developed to predict the effect of missense changes on protein structure and function (SIFT, PolyPhen-2, Align-GVGD) all suggest that this variant is likely to be tolerated. This sequence change replaces isoleucine with leucine at codon 658 of the FANCI protein (p.Ile658Leu). The isoleucine residue is moderately conserved and there is a small physicochemical difference between isoleucine and leucine. This variant is not present in population databases (ExAC no frequency). This variant has not been reported in the literature in individuals affected with FANCI-related conditions. In summary, the available evidence is currently insufficient to determine the role of this variant in disease. Therefore, it has been classified as a Variant of Uncertain Significance.